The following is an entry in ClinVar:

NM_001127222.2(CACNA1A):c.1198+48G>A

Gene: CACNA1A (calcium voltage-gated channel subunit alpha1 A; minus strand). Cytogenetic location: 19p13.13.
Variant type: single nucleotide variant.
Coding change: c.1198+48G>A on transcript NM_001127222.2 (MANE Select); 48 bases into the intron after coding-DNA position 1198, G replaced by A.
Molecular consequence: intron variant.
Genome position (GRCh38, 1-based): chr19:13,334,330, C>T on the plus strand (G>A on the coding strand, the complement: CACNA1A is on the minus strand). VCF-style: chr19-13334330-C-T. GRCh37 (hg19) VCF-style: chr19-13445144-C-T.
Other names: c.1198+48G>A (NM_001127221.2, NM_001174080.2, NM_000068.4 and 1 more transcripts).
Identifiers: ClinVar variation 678170 (VCV000678170.6), dbSNP rs2306348, ClinGen allele CA9240892.

ClinVar aggregate classification (germline): Benign. Review status: criteria provided, multiple submitters, no conflicts (2 of 4 stars). 7 submissions from 4 submitters: Benign (7). Last evaluated 2024-07-15.

Conditions:
Developmental and epileptic encephalopathy, 42 (DEE42A). Also called: Epileptic encephalopathy, early infantile, 42; DEVELOPMENTAL AND EPILEPTIC ENCEPHALOPATHY 42A; EPILEPTIC ENCEPHALOPATHY, EARLY INFANTILE, 42A. Identifiers: MedGen C4310716, MONDO:0014917, OMIM 617106.
Episodic ataxia type 2 (EA2). Also called: ACETAZOLAMIDE-RESPONSIVE HEREDITARY PAROXYSMAL CEREBELLAR ATAXIA; ATAXIA, FAMILIAL PAROXYSMAL; CEREBELLAR ATAXIA, PAROXYSMAL, ACETAZOLAMIDE-RESPONSIVE; CEREBELLOPATHY, HEREDITARY PAROXYSMAL; EPISODIC ATAXIA, NYSTAGMUS-ASSOCIATED; ATAXIA, EPISODIC, WITH NYSTAGMUS. Identifiers: Orphanet 97, MedGen C1720416, MONDO:0007163, OMIM 108500.
Migraine, familial hemiplegic, 1. Also called: MIGRAINE, FAMILIAL HEMIPLEGIC 1, WITH PROGRESSIVE CEREBELLAR ATAXIA. Identifiers: Orphanet 569, MedGen C1832884, MONDO:0020756, OMIM 141500, MONDO:0007714.
Spinocerebellar ataxia type 6 (SCA6). Identifiers: Orphanet 98758, MedGen C0752124, MONDO:0008457, OMIM 183086.

Allele frequency attached by ClinVar (database versions not stated): gnomAD 0.64420 and 0.64779; TOPMed 0.64486; 1000 Genomes Project 0.64557; ESP Exome Variant Server 0.64805; 1000 Genomes Project 30x 0.65006; gnomAD exomes 0.67775 and 0.68892; ExAC 0.68615.
gnomAD v4.1: 660,178 of 981,134 alleles (67%); highest among the groups gnomAD compares: Admixed American, 78%; 223,809 homozygotes.

Submissions (7):

Unidad de Genómica Garrahan, Hospital de Pediatría Garrahan
Classification: Benign. Last evaluated: 2024-07-15. Review status: criteria provided, single submitter. Criteria: ACMG Guidelines, 2015. Collection method: clinical testing. Allele origin: germline. Affected: no. Observed: 83 variant alleles.
Comment: This variant is classified as Benign based on local population frequency. This variant was detected in 89% of patients studied in a panel designed for Epileptic and Developmental Encephalopathy and Progressive Myoclonus Epilepsy. Number of patients: 83. Only high quality variants are reported.

Genome-Nilou Lab
Classification: Benign for Developmental and epileptic encephalopathy, 42. Last evaluated: 2021-07-14. Review status: criteria provided, single submitter. Criteria: ACMG Guidelines, 2015. Collection method: clinical testing. Allele origin: germline. Affected: no.

Genome-Nilou Lab
Classification: Benign for Episodic ataxia type 2. Last evaluated: 2021-07-14. Review status: criteria provided, single submitter. Criteria: ACMG Guidelines, 2015. Collection method: clinical testing. Allele origin: germline. Affected: no.

Genome-Nilou Lab
Classification: Benign for Migraine, familial hemiplegic, 1. Last evaluated: 2021-07-14. Review status: criteria provided, single submitter. Criteria: ACMG Guidelines, 2015. Collection method: clinical testing. Allele origin: germline. Affected: no.

Genome-Nilou Lab
Classification: Benign for Spinocerebellar ataxia type 6. Last evaluated: 2021-07-14. Review status: criteria provided, single submitter. Criteria: ACMG Guidelines, 2015. Collection method: clinical testing. Allele origin: germline. Affected: no.

GeneDx
Classification: Benign. Last evaluated: 2018-06-14. Review status: criteria provided, single submitter. Criteria: GeneDx Variant Classification (06012015). Collection method: clinical testing. Allele origin: germline. Affected: yes.
Comment: This variant is considered likely benign or benign based on one or more of the following criteria: it is a conservative change, it occurs at a poorly conserved position in the protein, it is predicted to be benign by multiple in silico algorithms, and/or has population frequency not consistent with disease.

Breakthrough Genomics
Classification: Benign. Review status: criteria provided, single submitter. Criteria: ACMG Guidelines, 2015. Collection method: not provided. Allele origin: germline. Inheritance: Autosomal dominant inheritance. Affected: yes.